The following is an entry in ClinVar:

ClinVar aggregate classification (germline): Uncertain significance. Review status: criteria provided, multiple submitters, no conflicts (2 of 4 stars). 5 submissions from 5 submitters: Uncertain significance (5). Last evaluated 2026-02-03.

Conditions:
Cardiovascular phenotype. Identifiers: MedGen CN230736.
RASopathy. Also called: rasopathies; Noonan spectrum disorder. Identifiers: Orphanet 536391, MedGen C5555857, MONDO:0021060.

Allele frequency attached by ClinVar (database versions not stated): gnomAD exomes below 0.00001 and 0.00001; TOPMed below 0.00001; ExAC 0.00001.
gnomAD v4.1: 11 of 1,614,114 alleles (0.00068%); highest among the groups gnomAD compares: East Asian, 0.0022%; no homozygotes.

Submissions (5):

Labcorp Genetics (formerly Invitae), Labcorp
Classification: Uncertain significance for RASopathy. Last evaluated: 2026-02-03. Review status: criteria provided, single submitter. Criteria: Invitae Variant Classification Sherloc (09022015). Collection method: clinical testing. Allele origin: germline.
Comment: This sequence change replaces arginine, which is basic and polar, with glutamine, which is neutral and polar, at codon 108 of the MAP2K1 protein (p.Arg108Gln). This variant is present in population databases (rs727504819, gnomAD 0.0009%). This variant has not been reported in the literature in individuals affected with MAP2K1-related conditions. ClinVar contains an entry for this variant (Variation ID: 179368). Invitae Evidence Modeling of protein sequence and biophysical properties (such as structural, functional, and spatial information, amino acid conservation, physicochemical variation, residue mobility, and thermodynamic stability) has been performed for this missense variant. However, the output from this modeling did not meet the statistical confidence thresholds required to predict the impact of this variant on MAP2K1 protein function. Experimental studies are conflicting or provide insufficient evidence to determine the effect of this variant on MAP2K1 function (PMID: 36442478). In summary, the available evidence is currently insufficient to determine the role of this variant in disease. Therefore, it has been classified as a Variant of Uncertain Significance.

Women's Health and Genetics/Laboratory Corporation of America, LabCorp
Classification: Uncertain significance. Last evaluated: 2025-03-31. Review status: criteria provided, single submitter. Criteria: LabCorp Variant Classification Summary - May 2015. Collection method: clinical testing. Allele origin: germline.
Comment: Variant summary: MAP2K1 c.323G>A (p.Arg108Gln) results in a conservative amino acid change located in the Protein kinase domain (IPR000719) of the encoded protein sequence. Four of five in-silico tools predict a damaging effect of the variant on protein function. The variant allele was found at a frequency of 6.8e-06 in 1607142 control chromosomes (gnomAD v4.1). The observed variant frequency is approximately 2.74-fold of the estimated maximal expected allele frequency for a pathogenic variant in MAP2K1 causing Noonan Syndrome And Related Conditions phenotype (2.5e-06). To our knowledge, no occurrence of c.323G>A in individuals affected with Noonan Syndrome And Related Conditions has been reported. Publications reported experimental evidence evaluating an impact on protein function, and demonstrated that R108Q results in Erk phosphorylation and transformation activity similar to wild-type Map2k1 (Hanrahan_2020, Mizuno_2023). On the other hand, a different missense affecting the same amino acid (R108L) has been reported in affected individuals and been classified as Pathogenic by the ClinGen RASopathy Variant Curation Expert Panel [ClinVar Variation ID 280446]. The following publications have been ascertained in the context of this evaluation (PMID: 32641410, 36442478). ClinVar contains an entry for this variant (Variation ID: 179368). Based on the evidence outlined above, the variant was classified as uncertain significance.

Ambry Genetics
Classification: Uncertain significance for Cardiovascular phenotype. Last evaluated: 2024-03-12. Review status: criteria provided, single submitter. Criteria: Ambry Variant Classification Scheme 2023. Collection method: clinical testing. Allele origin: germline.
Comment: The p.R108Q variant (also known as c.323G>A), located in coding exon 3 of the MAP2K1 gene, results from a G to A substitution at nucleotide position 323. The arginine at codon 108 is replaced by glutamine, an amino acid with highly similar properties. This amino acid position is highly conserved in available vertebrate species. In addition, this alteration is predicted to be deleterious by in silico analysis. Based on the available evidence, the clinical significance of this alteration remains unclear.

AiLife Diagnostics
Classification: Uncertain significance. Last evaluated: 2021-07-30. Review status: criteria provided, single submitter. Criteria: ACMG Guidelines, 2015. Collection method: clinical testing. Allele origin: germline. Affected: yes. Observed: 1 variant allele.

Laboratory for Molecular Medicine, Mass General Brigham Personalized Medicine
Classification: Uncertain significance. Last evaluated: 2014-01-08. Review status: criteria provided, single submitter. Criteria: LMM Criteria. Collection method: clinical testing. Allele origin: germline. Observed: 1 variant allele.
Comment: In addition, this variant is absent from large population studies. Computational analyses (biochemical amino acid p roperties, conservation, AlignGVGD, PolyPhen2, and SIFT) do not provide strong s upport for or against an impact to the protein. Additional information is needed to fully assess the clinical significance of this variant.

Literature cited by the submitters: PubMed 36442478 (cited by Labcorp Genetics (formerly Invitae), Labcorp and Women's Health and Genetics/Laboratory Corporation of America, LabCorp); PubMed 32641410 (cited by Women's Health and Genetics/Laboratory Corporation of America, LabCorp).

NM_002755.4(MAP2K1):c.323G>A (p.Arg108Gln)

Gene: MAP2K1 (mitogen-activated protein kinase kinase 1; plus strand). Cytogenetic location: 15q22.31.
Variant type: single nucleotide variant.
Coding change: c.323G>A on transcript NM_002755.4 (MANE Select); coding-DNA position 323, G replaced by A.
Protein change: p.Arg108Gln; replaces arginine 108 with glutamine.
Molecular consequence: missense variant.
Genome position (GRCh38, 1-based): chr15:66,436,777, G>A. VCF-style: chr15-66436777-G-A. GRCh37 (hg19) VCF-style: chr15-66729115-G-A.
Other names: short protein forms R108Q.
Identifiers: ClinVar variation 179368 (VCV000179368.13), dbSNP rs727504819, ClinGen allele CA184279.